The following is an entry in ClinVar:

ClinVar aggregate classification (germline): Likely benign. Review status: criteria provided, multiple submitters, no conflicts (2 of 4 stars). 3 submissions from 3 submitters: Likely benign (3). Last evaluated 2025-06-16.

Conditions:
GFI1B-related disorder. Also called: GFI1B-related condition.

gnomAD v4.1: 432 of 1,611,526 alleles (0.027%); highest among the groups gnomAD compares: African/African-American, 0.2%; 2 homozygotes.

Submissions (3):

PreventionGenetics, part of Exact Sciences
Classification: Likely benign for GFI1B-related condition. Last evaluated: 2025-06-16. Review status: criteria provided, single submitter. Criteria: ACMG Guidelines, 2015. Collection method: clinical testing. Allele origin: germline.
Comment: This variant is classified as likely benign based on ACMG/AMP sequence variant interpretation guidelines (Richards et al. 2015 PMID: 25741868, with internal and published modifications).

Mayo Clinic Laboratories, Mayo Clinic
Classification: Likely benign. Last evaluated: 2024-12-03. Review status: criteria provided, single submitter. Criteria: ACMG Guidelines, 2015. Collection method: clinical testing. Allele origin: germline. Observed: 2 variant alleles.
Comment: BS1_supporting, BP4, BP7

Blueprint Genetics
Classification: Likely benign. Last evaluated: 2024-09-25. Review status: criteria provided, single submitter. Criteria: ACMG Guidelines, 2015. Collection method: clinical testing. Allele origin: germline.

NM_001377304.1(GFI1B):c.*9C>T

Gene: GFI1B (growth factor independent 1B transcriptional repressor; plus strand). Cytogenetic location: 9q34.13.
Variant type: single nucleotide variant.
Coding change: c.*9C>T on transcript NM_001377304.1 (MANE Select); 9 bases downstream of the stop codon, C replaced by T.
Molecular consequence: 3 prime UTR variant.
Genome position (GRCh38, 1-based): chr9:132,991,059, C>T. VCF-style: chr9-132991059-C-T. GRCh37 (hg19) VCF-style: chr9-135866446-C-T.
Other names: c.*9C>T (NM_001135031.2, NM_001371908.1, NM_001377305.1 and 2 more transcripts).
Identifiers: ClinVar variation 4683449 (VCV004683449.3).